The following is an entry in ClinVar:

NM_004004.6(GJB2):c.-14G>A

Gene: GJB2 (gap junction protein beta 2; minus strand). Cytogenetic location: 13q12.11.
Variant type: single nucleotide variant.
Coding change: c.-14G>A on transcript NM_004004.6 (MANE Select); 14 bases upstream of the start codon, G replaced by A.
Molecular consequence: 5 prime UTR variant.
Genome position (GRCh38, 1-based): chr13:20,189,595, C>T on the plus strand (G>A on the coding strand, the complement: GJB2 is on the minus strand). VCF-style: chr13-20189595-C-T. GRCh37 (hg19) VCF-style: chr13-20763734-C-T.
Identifiers: ClinVar variation 1878949 (VCV001878949.3), dbSNP rs367567291, ClinGen allele CA6904342.
Genomic context (GRCh38, chr13:20,189,595, plus strand): 5'-TGTTTGTTCACACCCCCCAGGATCGTCTGCAGCGTGCCCCAATCCATCTTCTACTCTGGG[C>T]GGTTTGCTCTGGAAAAGACGAATGCACACAACACAGGAATCACTAGCTAGGACAGAACAG-3'

ClinVar aggregate classification (germline): Uncertain significance (1 of 4 stars; one submission).

Allele frequency attached by ClinVar (database versions not stated): gnomAD exomes 0.00001; gnomAD 0.00007; ESP Exome Variant Server 0.00008; TOPMed 0.00011; ExAC 0.00001.
gnomAD v4.1: 32 of 1,613,206 alleles (0.002%); highest among the groups gnomAD compares: African/African-American, 0.02%; no homozygotes.

Submission:

GeneDx
Classification: Uncertain significance. Last evaluated: 2025-11-13. Review status: criteria provided, single submitter. Criteria: GeneDx Variant Classification Process June 2021. Collection method: clinical testing. Allele origin: germline. Affected: yes.
Comment: Reported in a patient with bilateral hearing loss in published literature (PMID: 27501294); Nucleotide is not conserved across species and the substitution has no predicted effect on splicing; Located in a regulatory region; in the absence of functional studies, the actual effect of this sequence change is unknown; This variant is associated with the following publications: (PMID: 27501294)